The following is an entry in ClinVar:

NM_016222.4(DDX41):c.1436G>A (p.Arg479Gln)

Gene: DDX41 (DEAD-box helicase 41; minus strand). Cytogenetic location: 5q35.3.
Variant type: single nucleotide variant.
Coding change: c.1436G>A on transcript NM_016222.4 (MANE Select); coding-DNA position 1436, G replaced by A.
Protein change: p.Arg479Gln; replaces arginine 479 with glutamine.
Molecular consequence: missense variant.
Genome position (GRCh38, 1-based): chr5:177,512,609, C>T on the plus strand (G>A on the coding strand, the complement: DDX41 is on the minus strand). VCF-style: chr5-177512609-C-T. GRCh37 (hg19) VCF-style: chr5-176939610-C-T.
Other names: c.1436G>A (NM_016222.3, NM_016222.2); c.1058G>A, p.Arg353Gln (NM_001321732.2, NM_001321830.2); short protein forms R353Q, R479Q.
Identifiers: ClinVar variation 978208 (VCV000978208.18), dbSNP rs200307685, ClinGen allele CA3584739.

ClinVar aggregate classification (germline): Uncertain significance. Review status: criteria provided, multiple submitters, no conflicts (2 of 4 stars). 8 submissions from 8 submitters: Uncertain significance (7). 1 of the submissions does not count toward it. Last evaluated 2025-09-11.

Conditions:
DDX41-related disorder. Also called: DDX41-related condition.
Inborn genetic diseases. Identifiers: MedGen C0950123, MeSH D030342.
DDX41-related hematologic malignancy predisposition syndrome. Also called: Myeloproliferative/lymphoproliferative neoplasms, familial (multiple types), susceptibility to; DDX41-Associated Familial Myelodysplastic Syndrome and Acute Myeloid Leukemia. Identifiers: Orphanet 488647, MedGen C4225174, MONDO:0014809, OMIM 616871.
Bone marrow hypocellularity. Identifiers: MedGen C1855710, HP:0005528.

Allele frequency attached by ClinVar (database versions not stated): gnomAD exomes 0.00007 and 0.00005; gnomAD 0.00009 and 0.00010; 1000 Genomes Project 30x 0.00016; TOPMed 0.00019; 1000 Genomes Project 0.00020; ExAC 0.00005.

Submissions (8):

Ambry Genetics
Classification: Uncertain significance for Inborn genetic diseases. Last evaluated: 2025-09-11. Review status: criteria provided, single submitter. Criteria: Ambry Variant Classification Scheme 2023. Collection method: clinical testing. Allele origin: germline.
Comment: The p.R479Q variant (also known as c.1436G>A), located in coding exon 14 of the DDX41 gene, results from a G to A substitution at nucleotide position 1436. The arginine at codon 479 is replaced by glutamine, an amino acid with highly similar properties. This variant was reported in individuals with features consistent with DDX41-related hematologic malignancy predisposition syndrome (Badar T et al. Haematologica 2023 Nov;108(11):3033-3043; Maierhofer A et al. Blood Adv 2023 Dec;7(23):7346-7357). This amino acid position is not well conserved in available vertebrate species. In addition, this alteration is predicted to be tolerated by in silico analysis. Based on the available evidence, the clinical significance of this variant remains unclear.

Labcorp Genetics (formerly Invitae), Labcorp
Classification: Uncertain significance. Last evaluated: 2025-09-09. Review status: criteria provided, single submitter. Criteria: Invitae Variant Classification Sherloc (09022015). Collection method: clinical testing. Allele origin: germline.
Comment: This sequence change replaces arginine, which is basic and polar, with glutamine, which is neutral and polar, at codon 479 of the DDX41 protein (p.Arg479Gln). This variant is present in population databases (rs200307685, gnomAD 0.02%). This missense change has been observed in individual(s) with DDX41-related conditions (PMID: 31484648, 37199125, 37665752). ClinVar contains an entry for this variant (Variation ID: 978208). An algorithm developed to predict the effect of missense changes on protein structure and function (PolyPhen-2) suggests that this variant is likely to be tolerated. In summary, the available evidence is currently insufficient to determine the role of this variant in disease. Therefore, it has been classified as a Variant of Uncertain Significance.

GeneDx
Classification: Uncertain significance. Last evaluated: 2025-05-27. Review status: criteria provided, single submitter. Criteria: GeneDx Variant Classification Process June 2021. Collection method: clinical testing. Allele origin: germline. Affected: yes.
Comment: In silico analysis suggests that this missense variant does not alter protein structure/function; This variant is associated with the following publications: (PMID: 27721487, 37434984, 37199125, 31484648, 37665752, 37506341)

Baylor Genetics
Classification: Uncertain significance for DDX41-related hematologic malignancy predisposition syndrome. Last evaluated: 2024-02-08. Review status: criteria provided, single submitter. Criteria: ACMG Guidelines, 2015. Collection method: clinical testing. Allele origin: unknown.

Fulgent Genetics
Classification: Uncertain significance for DDX41-related hematologic malignancy predisposition syndrome. Last evaluated: 2023-12-28. Review status: criteria provided, single submitter. Criteria: ACMG Guidelines, 2015. Collection method: clinical testing. Allele origin: germline.

PreventionGenetics, part of Exact Sciences
Classification: Uncertain significance for DDX41-related condition. Last evaluated: 2023-10-05. Review status: criteria provided, single submitter. Criteria: ACMG Guidelines, 2015. Collection method: clinical testing. Allele origin: germline.
Comment: The DDX41 c.1436G>A variant is predicted to result in the amino acid substitution p.Arg479Gln. This variant has been reported in individuals with myelodysplastic syndrome and acute myeloid leukemia (Figure 1, Table S3, Sébert et al. 2019. PubMed ID: 31484648). This variant is reported in 0.023% of alleles in individuals of Latino descent in gnomAD. It is interpreted as uncertain significance in ClinVar. At this time, the clinical significance of this variant is uncertain due to the absence of conclusive functional and genetic evidence.

Neuberg Centre For Genomic Medicine, NCGM
Classification: Uncertain significance for DDX41-related hematologic malignancy predisposition syndrome. Last evaluated: 2023-06-22. Review status: criteria provided, single submitter. Criteria: ACMG Guidelines, 2015. Collection method: clinical testing. Allele origin: germline. Inheritance: Autosomal dominant inheritance. Affected: yes.
Comment: The observed missense variant c.1436G>A(p.Arg479Gln) in DDX41 gene has not been reported previously as a pathogenic variant nor as a benign variant, to our knowledge. The c.1436G>A(p.Arg479Gln) variant is reported with 0.01% allele frequency in gnomAD Exomes. This variant has been reported to the ClinVar database as Uncertain Significance. However, no details are available for independent assessment. The amino acid Arg at position 479 is changed to a Gln changing protein sequence and it might alter its composition and physico-chemical properties. The reference amino acid p.Arg479Gln in DDX41 is predicted as conserved by GERP++ and PhyloP across 100 vertebrates. For these reasons, this variant has been classified as Uncertain Significance.

Bone Marrow Failure laboratory, Queen Mary University London
Classification: Uncertain significance for Bone marrow hypocellularity. Last evaluated: 2020-08-28. Review status: no assertion criteria provided. Collection method: research. Allele origin: unknown. Affected: yes. Not counted in ClinVar's aggregate classification.
Comment: The following ACMG/AMP criteria was used: BP4

Literature cited by the submitters: PubMed 31484648 (cited by Labcorp Genetics (formerly Invitae), Labcorp); PubMed 37199125 (cited by Labcorp Genetics (formerly Invitae), Labcorp); PubMed 37665752 (cited by Labcorp Genetics (formerly Invitae), Labcorp).